The following is an entry in ClinVar:

NM_001267550.2(TTN):c.98893G>C (p.Asp32965His)

Genes: TTN-AS1 (TTN antisense RNA 1; plus strand), TTN (titin; minus strand). Cytogenetic location: 2q31.2.
Variant type: single nucleotide variant.
Coding change: c.98893G>C on transcript NM_001267550.2 (MANE Select); coding-DNA position 98893, G replaced by C.
Protein change: p.Asp32965His; replaces aspartic acid 32965 with histidine.
Molecular consequence: missense variant. On other transcripts: non-coding transcript variant (1).
Genome position (GRCh38, 1-based): chr2:178,539,042, C>G on the plus strand (G>C on the coding strand, the complement: TTN is on the minus strand). VCF-style: chr2-178539042-C-G. GRCh37 (hg19) VCF-style: chr2-179403769-C-G.
Other names: p.D31324H:GAT>CAT; c.93970G>C, p.Asp31324His (NM_001256850.1); c.71698G>C, p.Asp23900His (NM_003319.4); c.91189G>C, p.Asp30397His (NM_133378.4); c.72073G>C, p.Asp24025His (NM_133432.3); c.72274G>C, p.Asp24092His (NM_133437.4); short protein forms D30397H, D32965H, D31324H, D23900H, D24025H, D24092H.
Identifiers: ClinVar variation 191835 (VCV000191835.36), dbSNP rs186405108, ClinGen allele CA302399.
Genomic context (GRCh38, chr2:178,539,042, plus strand): 5'-GGCTGGTCTCACTCAGGCCAACATCATTCTGTGCGATGATGCGGAACTGATACTCAGCAT[C>G]GGGAACAAGCCCTGTGACAGTGTACATTGTGGTGGTGATCTGAGTCTTGTTGTGTCTGAC-3'
Protein context (NP_001254479.2, residues 32955-32975): TMYTVTGLVP[Asp32965His]AEYQFRIIAQ

ClinVar aggregate classification (germline): Conflicting classifications of pathogenicity. Review status: criteria provided, conflicting classifications (1 of 4 stars). 11 submissions from 11 submitters: Uncertain significance (5); Likely benign (6). Last evaluated 2026-02-01.

Conditions:
TTN-related disorder. Also called: TTN-related condition; TTN-related disease; TTN-related disorders.
Cardiovascular phenotype. Identifiers: MedGen CN230736.
Dilated cardiomyopathy 1G (CMD1G). Identifiers: Orphanet 154, MedGen C1858763, MONDO:0011400, OMIM 604145.
Autosomal recessive limb-girdle muscular dystrophy type 2J (LGMDR10). Also called: Limb-girdle muscular dystrophy, type 2J; MUSCULAR DYSTROPHY, LIMB-GIRDLE, AUTOSOMAL RECESSIVE 10. Identifiers: Orphanet 140922, MedGen C1837342, MONDO:0012127, OMIM 608807.
Cardiomyopathy (CMYO). Also called: Cardiomyopathies. Identifiers: Orphanet 167848, MedGen C0878544, MONDO:0004994, HP:0001638. Inheritance: Various modes of inheritance.

Allele frequency attached by ClinVar (database versions not stated): TOPMed 0.00019.
gnomAD v4.1: 575 of 1,613,640 alleles (0.036%); highest among the groups gnomAD compares: Non-Finnish European, 0.046%; 1 homozygote.

Submissions (11):

CeGaT Center for Human Genetics Tuebingen
Classification: Uncertain significance. Last evaluated: 2026-02-01. Review status: criteria provided, single submitter. Criteria: CeGaT Center For Human Genetics Tuebingen Variant Classification Criteria Version 2. Collection method: clinical testing. Allele origin: germline. Affected: yes. Observed: 2 variant alleles.

PreventionGenetics, part of Exact Sciences
Classification: Likely benign for TTN-related condition. Last evaluated: 2025-11-06. Review status: criteria provided, single submitter. Criteria: ACMG Guidelines, 2015. Collection method: clinical testing. Allele origin: germline.
Comment: This variant is classified as likely benign based on ACMG/AMP sequence variant interpretation guidelines (Richards et al. 2015 PMID: 25741868, with internal and published modifications).

Women's Health and Genetics/Laboratory Corporation of America, LabCorp
Classification: Likely benign. Last evaluated: 2025-10-06. Review status: criteria provided, single submitter. Criteria: LabCorp Variant Classification Summary - May 2015. Collection method: clinical testing. Allele origin: germline.
Comment: Variant summary: TTN c.91189G>C (p.Asp30397His) results in a non-conservative amino acid change located in the A-band region of the encoded protein sequence. Algorithms developed to predict the effect of missense changes on protein structure and function are either unavailable or do not agree on the potential impact of this missense change. The variant allele was found at a frequency of 0.00036 in 1606646 control chromosomes, predominantly at a frequency of 0.00046 within the Non-Finnish European subpopulation in the gnomAD database (v4.1 dataset), including 1 homozygote. The observed variant frequency within Non-Finnish European control individuals in the gnomAD database exceeds the estimated maximal expected allele frequency for disease-causing variants in TTN. To our knowledge, no occurrence of c.91189G>C in individuals affected with TTN-related conditions and no experimental evidence demonstrating its impact on protein function have been reported. ClinVar contains an entry for this variant (Variation ID: 191835). Based on the evidence outlined above, the variant was classified as likely benign.

Revvity Omics, Revvity
Classification: Uncertain significance. Last evaluated: 2025-03-17. Review status: criteria provided, single submitter. Criteria: ACMG Guidelines, 2015. Collection method: clinical testing. Allele origin: germline.

Blueprint Genetics
Classification: Likely benign. Last evaluated: 2024-11-11. Review status: criteria provided, single submitter. Criteria: ACMG Guidelines, 2015. Collection method: clinical testing. Allele origin: germline.

CHEO Genetics Diagnostic Laboratory, Children's Hospital of Eastern Ontario
Classification: Likely benign for Cardiomyopathy. Last evaluated: 2021-08-30. Review status: criteria provided, single submitter. Criteria: ACMG Guidelines, 2015. Collection method: clinical testing. Allele origin: germline.

GeneDx
Classification: Likely benign. Last evaluated: 2020-08-07. Review status: criteria provided, single submitter. Criteria: GeneDx Variant Classification Process June 2021. Collection method: clinical testing. Allele origin: germline. Affected: yes.
Comment: This variant is associated with the following publications: (PMID: 23861362)

Ambry Genetics
Classification: Likely benign for Cardiovascular phenotype. Last evaluated: 2019-06-24. Review status: criteria provided, single submitter. Criteria: Ambry Variant Classification Scheme 2023. Collection method: clinical testing. Allele origin: germline.

Labcorp Genetics (formerly Invitae), Labcorp
Classification: Uncertain significance for Dilated cardiomyopathy 1G; Autosomal recessive limb-girdle muscular dystrophy type 2J. Last evaluated: 2017-08-25. Review status: criteria provided, single submitter. Criteria: Invitae Variant Classification Sherloc (09022015). Collection method: clinical testing. Allele origin: germline.

Eurofins Ntd Llc (ga)
Classification: Uncertain significance. Last evaluated: 2016-01-05. Review status: criteria provided, single submitter. Criteria: EGL Classification Definitions 2015. Collection method: clinical testing. Allele origin: germline. Observed: 2 variant alleles, 2 heterozygotes.

Biesecker Lab/Clinical Genomics Section, National Institutes of Health
Classification: Uncertain significance. Last evaluated: 2013-06-24. Review status: criteria provided, single submitter. Criteria: Ng et al. (Circ Cardiovasc Genet. 2013). Collection method: research. Allele origin: unknown. Observed: 1 variant allele. Study: ClinSeq.
Comment: The study set was not selected for affection status in relation to any cancer. Pathogenicity categories were based on literature curation. See Pubmed ID:23861362 for details.

Medical sequencing

Literature cited by the submitters: PubMed 23861362 (cited by Ambry Genetics).